The following is an entry in ClinVar:

NM_004211.5(SLC6A5):c.1747A>G (p.Ile583Val)

Gene: SLC6A5 (solute carrier family 6 member 5; plus strand). Cytogenetic location: 11p15.1.
Variant type: single nucleotide variant.
Coding change: c.1747A>G on transcript NM_004211.5 (MANE Select); coding-DNA position 1747, A replaced by G.
Protein change: p.Ile583Val; replaces isoleucine 583 with valine.
Molecular consequence: missense variant.
Genome position (GRCh38, 1-based): chr11:20,637,181, A>G. VCF-style: chr11-20637181-A-G. GRCh37 (hg19) VCF-style: chr11-20658727-A-G.
Other names: c.1045A>G, p.Ile349Val (NM_001318369.2); short protein forms I583V, I349V.
Identifiers: ClinVar variation 1477312 (VCV001477312.5), dbSNP rs1380633510, ClinGen allele CA379918085.

ClinVar aggregate classification (germline): Uncertain significance (1 of 4 stars; one submission).

Conditions:
Hyperekplexia 3 (HKPX3). Also called: HYPEREKPLEXIA 3, AUTOSOMAL RECESSIVE; HYPEREKPLEXIA 3, AUTOSOMAL DOMINANT. Identifiers: Orphanet 3197, MedGen C3553288, MONDO:0013827, OMIM 614618.

Allele frequency attached by ClinVar (database versions not stated): gnomAD exomes below 0.00001; gnomAD 0.00001; TOPMed 0.00001.
gnomAD v4.1: 4 of 1,613,914 alleles (0.00025%); highest among the groups gnomAD compares: Non-Finnish European, 0.00034%; no homozygotes.

Submission:

Labcorp Genetics (formerly Invitae), Labcorp
Classification: Uncertain significance for Hyperekplexia 3. Last evaluated: 2021-12-08. Review status: criteria provided, single submitter. Criteria: Invitae Variant Classification Sherloc (09022015). Collection method: clinical testing. Allele origin: germline.
Comment: This sequence change replaces isoleucine, which is neutral and non-polar, with valine, which is neutral and non-polar, at codon 583 of the SLC6A5 protein (p.Ile583Val). This variant is not present in population databases (gnomAD no frequency). In summary, the available evidence is currently insufficient to determine the role of this variant in disease. Therefore, it has been classified as a Variant of Uncertain Significance. Advanced modeling of protein sequence and biophysical properties (such as structural, functional, and spatial information, amino acid conservation, physicochemical variation, residue mobility, and thermodynamic stability) performed at Invitae indicates that this missense variant is not expected to disrupt SLC6A5 protein function. This variant has not been reported in the literature in individuals affected with SLC6A5-related conditions.